The following is an entry in ClinVar:

ClinVar aggregate classification (germline): Uncertain significance (1 of 4 stars; one submission).

Submission:

Greenwood Genetic Center Diagnostic Laboratories, Greenwood Genetic Center
Classification: Uncertain significance. Last evaluated: 2024-08-28. Review status: criteria provided, single submitter. Criteria: ACMG Guidelines, 2015. Collection method: clinical testing. Allele origin: germline. Affected: yes.
Comment: PM2

NM_020717.5(SHROOM4):c.721C>T (p.Arg241Trp)

Gene: SHROOM4 (shroom family member 4; minus strand). Cytogenetic location: Xp11.22.
Variant type: single nucleotide variant.
Coding change: c.721C>T on transcript NM_020717.5 (MANE Select); coding-DNA position 721, C replaced by T.
Protein change: p.Arg241Trp; replaces arginine 241 with tryptophan.
Molecular consequence: missense variant. On other transcripts: non-coding transcript variant (4).
Genome position (GRCh38, 1-based): chrX:50,635,352, G>A on the plus strand (C>T on the coding strand, the complement: SHROOM4 is on the minus strand). VCF-style: chrX-50635352-G-A. GRCh37 (hg19) VCF-style: chrX-50378352-G-A.
Other names: short protein forms R241W.
Identifiers: ClinVar variation 3765611 (VCV003765611.1).